The following is an entry in ClinVar:

ClinVar aggregate classification (germline): Uncertain significance (1 of 4 stars; one submission).

Conditions:
Spastic paraplegia. Identifiers: MedGen C0037772, HP:0001258.

gnomAD v4.1: 1 of 1,211,541 alleles (0.000083%); highest among the groups gnomAD compares: Admixed American, 0.0022%; no homozygotes.

Submission:

Labcorp Genetics (formerly Invitae), Labcorp
Classification: Uncertain significance for Spastic paraplegia. Last evaluated: 2022-06-03. Review status: criteria provided, single submitter. Criteria: Invitae Variant Classification Sherloc (09022015). Collection method: clinical testing. Allele origin: germline.
Comment: In summary, the available evidence is currently insufficient to determine the role of this variant in disease. Therefore, it has been classified as a Variant of Uncertain Significance. Advanced modeling of protein sequence and biophysical properties (such as structural, functional, and spatial information, amino acid conservation, physicochemical variation, residue mobility, and thermodynamic stability) performed at Invitae indicates that this missense variant is not expected to disrupt L1CAM protein function. This variant has not been reported in the literature in individuals affected with L1CAM-related conditions. This variant is not present in population databases (gnomAD no frequency). This sequence change replaces aspartic acid, which is acidic and polar, with glutamic acid, which is acidic and polar, at codon 462 of the L1CAM protein (p.Asp462Glu).

NM_001278116.2(L1CAM):c.1386C>A (p.Asp462Glu)

Gene: L1CAM (L1 cell adhesion molecule; minus strand). Cytogenetic location: Xq28.
Variant type: single nucleotide variant.
Coding change: c.1386C>A on transcript NM_001278116.2 (MANE Select); coding-DNA position 1386, C replaced by A.
Protein change: p.Asp462Glu; replaces aspartic acid 462 with glutamic acid.
Molecular consequence: missense variant.
Genome position (GRCh38, 1-based): chrX:153,868,721, G>T on the plus strand (C>A on the coding strand, the complement: L1CAM is on the minus strand). VCF-style: chrX-153868721-G-T. GRCh37 (hg19) VCF-style: chrX-153134176-G-T.
Other names: c.1386C>A, p.Asp462Glu (NM_000425.5, NM_024003.3); c.1371C>A, p.Asp457Glu (NM_001143963.2); short protein forms D462E, D457E.
Identifiers: ClinVar variation 2065658 (VCV002065658.4), dbSNP rs200209432, ClinGen allele CA415126458.